The following is an entry in ClinVar:

ClinVar aggregate classification (germline): Uncertain significance. Review status: criteria provided, single submitter (1 of 4 stars). 2 submissions from 2 submitters: Uncertain significance (1). 1 of the submissions does not count toward it. Last evaluated 2024-10-25.

Conditions:
Bardet-Biedl syndrome (BBS). Identifiers: Orphanet 110, MedGen C0752166, MONDO:0015229.
Bardet-Biedl syndrome 10 (BBS10). Identifiers: Orphanet 110, MedGen C1859568, MONDO:0014438, OMIM 615987.

Allele frequency attached by ClinVar (database versions not stated): gnomAD exomes below 0.00001; gnomAD 0.00001; TOPMed 0.00001.
gnomAD v4.1: 6 of 1,613,910 alleles (0.00037%); highest among the groups gnomAD compares: Admixed American, 0.0083%; no homozygotes.

Submissions (2):

Labcorp Genetics (formerly Invitae), Labcorp
Classification: Uncertain significance for Bardet-Biedl syndrome. Last evaluated: 2024-10-25. Review status: criteria provided, single submitter. Criteria: Invitae Variant Classification Sherloc (09022015). Collection method: clinical testing. Allele origin: germline.
Comment: This sequence change replaces arginine, which is basic and polar, with lysine, which is basic and polar, at codon 467 of the BBS10 protein (p.Arg467Lys). This variant is not present in population databases (gnomAD no frequency). This variant has not been reported in the literature in individuals affected with BBS10-related conditions. ClinVar contains an entry for this variant (Variation ID: 961196). Invitae Evidence Modeling of protein sequence and biophysical properties (such as structural, functional, and spatial information, amino acid conservation, physicochemical variation, residue mobility, and thermodynamic stability) indicates that this missense variant is not expected to disrupt BBS10 protein function with a negative predictive value of 80%. In summary, the available evidence is currently insufficient to determine the role of this variant in disease. Therefore, it has been classified as a Variant of Uncertain Significance.

Natera, Inc.
Classification: Uncertain significance for Bardet-Biedl syndrome type 10. Last evaluated: 2020-05-28. Review status: no assertion criteria provided. Collection method: clinical testing. Allele origin: germline. Not counted in ClinVar's aggregate classification.

NM_024685.4(BBS10):c.1400G>A (p.Arg467Lys)

Gene: BBS10 (Bardet-Biedl syndrome 10; minus strand). Cytogenetic location: 12q21.2.
Variant type: single nucleotide variant.
Coding change: c.1400G>A on transcript NM_024685.4 (MANE Select); coding-DNA position 1400, G replaced by A.
Protein change: p.Arg467Lys; replaces arginine 467 with lysine.
Molecular consequence: missense variant.
Genome position (GRCh38, 1-based): chr12:76,346,585, C>T on the plus strand (G>A on the coding strand, the complement: BBS10 is on the minus strand). VCF-style: chr12-76346585-C-T. GRCh37 (hg19) VCF-style: chr12-76740365-C-T.
Other names: short protein forms R467K.
Identifiers: ClinVar variation 961196 (VCV000961196.7), dbSNP rs1022090476, ClinGen allele CA239331841.